The following is an entry in ClinVar:

NM_001393769.1(MED12L):c.960GAT[1] (p.Met321del)

Gene: MED12L (mediator complex subunit 12L; plus strand). Cytogenetic location: 3q25.1.
Variant type: Microsatellite.
Coding change: c.960GAT[1] on transcript NM_001393769.1 (MANE Select); one copy of the 3-base unit GAT starting at c.960; the reference has two copies in a row; one copy, 3 bases deleted.
Protein change: p.Met321del; deletes methionine 321.
Molecular consequence: inframe deletion.
Genome position (GRCh38, 1-based): chr3:151,159,957-151,159,959, GAT deleted; deleting any 3 consecutive bases within chr3:151,159,952-151,159,959 gives the same sequence; the position shown is the placement nearest the transcript's 3' end. VCF-style (leftmost placement, unchanged base first): chr3-151159951-CATG-C. GRCh37 (hg19) VCF-style: chr3-150877738-CATG-C.
Other names: c.960GAT[1], p.Met321del (NM_053002.6); short protein forms M321del.
Identifiers: ClinVar variation 5037475 (VCV005037475.1).

ClinVar aggregate classification (germline): Uncertain significance (1 of 4 stars; one submission).

Submission:

GeneDx
Classification: Uncertain significance. Last evaluated: 2026-04-26. Review status: criteria provided, single submitter. Criteria: GeneDx Variant Classification Process June 2021. Collection method: clinical testing. Allele origin: germline.
Comment: Not observed at significant frequency in large population cohorts (gnomAD); In-frame deletion of 1 amino acid(s) in a non-repeat region; In silico analysis supports a deleterious effect on protein structure/function; Has not been previously published as pathogenic or benign to our knowledge